The following is an entry in ClinVar:

ClinVar aggregate classification (germline): Likely benign (0 of 4 stars; one submission).

Conditions:
ATE1-related disorder. Also called: ATE1-related condition.

Allele frequency attached by ClinVar (database versions not stated): TOPMed below 0.00001; ExAC 0.00001; gnomAD 0.00001.
gnomAD v4.1: 21 of 1,613,544 alleles (0.0013%); highest among the groups gnomAD compares: African/African-American, 0.0027%; no homozygotes.

Submission:

PreventionGenetics, part of Exact Sciences
Classification: Likely benign for ATE1-related condition. Last evaluated: 2019-05-06. Review status: no assertion criteria provided. Collection method: clinical testing. Allele origin: germline.
Comment: This variant is classified as likely benign based on ACMG/AMP sequence variant interpretation guidelines (Richards et al. 2015 PMID: 25741868, with internal and published modifications).

NM_001001976.3(ATE1):c.942+1004C>T

Gene: ATE1 (arginyltransferase 1; minus strand). Cytogenetic location: 10q26.13.
Variant type: single nucleotide variant.
Coding change: c.942+1004C>T on transcript NM_001001976.3 (MANE Select); 1004 bases into the intron after coding-DNA position 942, C replaced by T.
Molecular consequence: intron variant. On other transcripts: synonymous variant (3).
Genome position (GRCh38, 1-based): chr10:121,898,862, G>A on the plus strand (C>T on the coding strand, the complement: ATE1 is on the minus strand). VCF-style: chr10-121898862-G-A. GRCh37 (hg19) VCF-style: chr10-123658377-G-A.
Other names: c.633C>T, p.Pro211= (NM_001288735.2); c.900C>T, p.Pro300= (NM_001288736.2); c.921C>T, p.Pro307= (NM_007041.4); c.597+1004C>T (NM_001288734.2).
Identifiers: ClinVar variation 3037699 (VCV003037699.2), dbSNP rs781663183, ClinGen allele CA5721515.